The following is an entry in ClinVar:

ClinVar aggregate classification (germline): Likely benign. Review status: criteria provided, multiple submitters, no conflicts (2 of 4 stars). 3 submissions from 3 submitters: Likely benign (3). Last evaluated 2026-06-01.

Conditions:
Warburg micro syndrome 2 (WARBM2). Also called: MICRO SYNDROME 2. Identifiers: Orphanet 2510, MedGen C3280214, MONDO:0013641, OMIM 614225.
Martsolf syndrome (MARTS). Also called: Congenital cataract with intellectual disability and hypogonadotropic hypogonadism syndrome. Identifiers: Orphanet 1387, MedGen C0796037, MONDO:0023910.

Allele frequency attached by ClinVar (database versions not stated): gnomAD 0.00001 and 0.00002; gnomAD exomes 0.00001 and 0.00002; TOPMed 0.00001; ExAC 0.00002.
gnomAD v4.1: 17 of 1,613,482 alleles (0.0011%); highest among the groups gnomAD compares: Middle Eastern, 0.017%; no homozygotes.

Submissions (3):

CeGaT Center for Human Genetics Tuebingen
Classification: Likely benign. Last evaluated: 2026-06-01. Review status: criteria provided, single submitter. Criteria: CeGaT Center For Human Genetics Tuebingen Variant Classification Criteria Version 2. Collection method: clinical testing. Allele origin: germline. Affected: yes. Observed: 1 variant allele.
Comment: RAB3GAP2: BP4, BP7

Labcorp Genetics (formerly Invitae), Labcorp
Classification: Likely benign for Martsolf syndrome; Warburg micro syndrome 2. Last evaluated: 2025-12-03. Review status: criteria provided, single submitter. Criteria: Invitae Variant Classification Sherloc (09022015). Collection method: clinical testing. Allele origin: germline.

Breakthrough Genomics
Classification: Likely benign. Review status: criteria provided, single submitter. Criteria: ACMG Guidelines, 2015. Collection method: not provided. Allele origin: germline. Inheritance: Autosomal recessive inheritance. Affected: yes.

NM_012414.4(RAB3GAP2):c.2367G>A (p.Gln789=)

Gene: RAB3GAP2 (RAB3 GTPase activating non-catalytic protein subunit 2; minus strand). Cytogenetic location: 1q41.
Variant type: single nucleotide variant.
Coding change: c.2367G>A on transcript NM_012414.4 (MANE Select); coding-DNA position 2367, G replaced by A.
Protein change: p.Gln789=; no amino-acid change (glutamine 789 retained).
Molecular consequence: synonymous variant.
Genome position (GRCh38, 1-based): chr1:220,172,686, C>T on the plus strand (G>A on the coding strand, the complement: RAB3GAP2 is on the minus strand). VCF-style: chr1-220172686-C-T. GRCh37 (hg19) VCF-style: chr1-220346028-C-T.
Identifiers: ClinVar variation 705790 (VCV000705790.9), dbSNP rs752461001, ClinGen allele CA1402445.